The following is an entry in ClinVar:

NM_001171613.2(PREPL):c.31T>G (p.Leu11Val)

Gene: PREPL (prolyl endopeptidase like; minus strand). Cytogenetic location: 2p21.
Variant type: single nucleotide variant.
Coding change: c.31T>G on transcript NM_001171613.2 (MANE Select); coding-DNA position 31, T replaced by G.
Protein change: p.Leu11Val; replaces leucine 11 with valine.
Molecular consequence: missense variant.
Genome position (GRCh38, 1-based): chr2:44,346,312, A>C on the plus strand (T>G on the coding strand, the complement: PREPL is on the minus strand). VCF-style: chr2-44346312-A-C. GRCh37 (hg19) VCF-style: chr2-44573451-A-C.
Other names: c.298T>G, p.Leu100Val (NM_001042385.2, NM_001042386.2, NM_001171603.1 and 4 more transcripts); c.31T>G, p.Leu11Val (NM_001171617.1, NM_001374277.1); short protein forms L100V, L11V.
Identifiers: ClinVar variation 1059588 (VCV001059588.9), dbSNP rs2104022746, ClinGen allele CA346693950.
Genomic context (GRCh38, chr2:44,346,312, plus strand): 5'-ACATGAGATATCTTACTTCCACATTGATGATTTCATATTCTTCTTGTGGCTGTGTTTCTA[A>C]TTTTGTTCTCACTTTTTCAAATGCATCCATGTTTTCTGGAAGGGGTTTTTCGTTTTCTTG-3'
Protein context (NP_001165084.1, residues 1-21): MDAFEKVRTK[Leu11Val]ETQPQEEYEI

ClinVar aggregate classification (germline): Uncertain significance (1 of 4 stars; one submission).

Conditions:
Myasthenic syndrome, congenital, 22 (CMS22). Also called: PREPL DEFICIENCY. Identifiers: MedGen C4479088, MONDO:0044299, OMIM 616224.

Submission:

Labcorp Genetics (formerly Invitae), Labcorp
Classification: Uncertain significance for Myasthenic syndrome, congenital, 22. Last evaluated: 2022-07-18. Review status: criteria provided, single submitter. Criteria: Invitae Variant Classification Sherloc (09022015). Collection method: clinical testing. Allele origin: germline.
Comment: In summary, the available evidence is currently insufficient to determine the role of this variant in disease. Therefore, it has been classified as a Variant of Uncertain Significance. Algorithms developed to predict the effect of missense changes on protein structure and function (SIFT, PolyPhen-2, Align-GVGD) all suggest that this variant is likely to be tolerated. ClinVar contains an entry for this variant (Variation ID: 1059588). This variant has not been reported in the literature in individuals affected with PREPL-related conditions. This variant is not present in population databases (gnomAD no frequency). This sequence change replaces leucine, which is neutral and non-polar, with valine, which is neutral and non-polar, at codon 100 of the PREPL protein (p.Leu100Val).